The following is an entry in ClinVar:

NM_017617.5(NOTCH1):c.7369C>G (p.Leu2457Val)

Gene: NOTCH1 (notch receptor 1; minus strand). Cytogenetic location: 9q34.3.
Variant type: single nucleotide variant.
Coding change: c.7369C>G on transcript NM_017617.5 (MANE Select); coding-DNA position 7369, C replaced by G.
Protein change: p.Leu2457Val; replaces leucine 2457 with valine.
Molecular consequence: missense variant.
Genome position (GRCh38, 1-based): chr9:136,496,370, G>C on the plus strand (C>G on the coding strand, the complement: NOTCH1 is on the minus strand). VCF-style: chr9-136496370-G-C. GRCh37 (hg19) VCF-style: chr9-139390822-G-C.
Other names: p.Leu2457Val; c.7369C>G, p.Leu2457Val (LRG_1122t1); short protein forms L2457V.
Identifiers: ClinVar variation 380420 (VCV000380420.22), dbSNP rs61755043, ClinGen allele CA5339688.
Genomic context (GRCh38, chr9:136,496,370, plus strand): 5'-TCACGGGTGGGACCAGCGAGGATGGCAGCGACGTGGGCAGGGCGGGGCTCTCCTGGGGCA[G>C]AATAGTGTGCACCGCCAGGCTGCTGGGGCCCAGTGGCTGCACGTCTGCCTGGCTCGGCTC-3'
Protein context (NP_060087.3, residues 2447-2467): GPSSLAVHTI[Leu2457Val]PQESPALPTS

ClinVar aggregate classification (germline): Benign/Likely benign. Review status: criteria provided, multiple submitters, no conflicts (2 of 4 stars). 10 submissions from 9 submitters: Benign (5); Likely benign (5). Last evaluated 2026-02-02.

Conditions:
Connective tissue disorder. Also called: Connective tissue disease. Identifiers: MedGen C0009782, MONDO:0003900.
Familial thoracic aortic aneurysm and aortic dissection (TAAD). Also called: Thoracic aortic aneurysms and dissections. Identifiers: Orphanet 91387, MedGen C4707243, MONDO:0019625.
Aortic valve disease 1 (AOVD1). Identifiers: MedGen C3887892, MONDO:0024523, OMIM 109730.
Adams-Oliver syndrome 5 (AOS5). Identifiers: Orphanet 974, MedGen C4014970, MONDO:0014459, OMIM 616028.

Allele frequency attached by ClinVar (database versions not stated): gnomAD exomes 0.00028 and 0.00064; TOPMed 0.00036; gnomAD 0.00037 and 0.00039; ESP Exome Variant Server 0.00048; ExAC 0.00067.
gnomAD v4.1: 498 of 1,595,236 alleles (0.031%); highest among the groups gnomAD compares: Middle Eastern, 0.12%; 1 homozygote.

Submissions (10):

Labcorp Genetics (formerly Invitae), Labcorp
Classification: Benign for Adams-Oliver syndrome 5. Last evaluated: 2026-02-02. Review status: criteria provided, single submitter. Criteria: Invitae Variant Classification Sherloc (09022015). Collection method: clinical testing. Allele origin: germline.

Mayo Clinic Laboratories, Mayo Clinic
Classification: Likely benign. Last evaluated: 2025-10-01. Review status: criteria provided, single submitter. Criteria: ACMG Guidelines, 2015. Collection method: clinical testing. Allele origin: germline. Observed: 1 variant allele.
Comment: BS1, BP4

Blueprint Genetics
Classification: Likely benign. Last evaluated: 2024-09-24. Review status: criteria provided, single submitter. Criteria: ACMG Guidelines, 2015. Collection method: clinical testing. Allele origin: germline.

Women's Health and Genetics/Laboratory Corporation of America, LabCorp
Classification: Benign. Last evaluated: 2023-11-27. Review status: criteria provided, single submitter. Criteria: LabCorp Variant Classification Summary - May 2015. Collection method: clinical testing. Allele origin: germline.
Comment: Variant summary: NOTCH1 c.7369C>G (p.Leu2457Val) results in a conservative amino acid change located in the Notch, C-terminal domain (IPR024600) of the encoded protein sequence. Three of four in-silico tools predict a benign effect of the variant on protein function. The variant allele was found at a frequency of 0.00064 in 217572 control chromosomes in the gnomAD database, including 2 homozygotes. The observed variant frequency is approximately 1022.19 fold of the estimated maximal expected allele frequency for a pathogenic variant in NOTCH1 causing Adams-Oliver Syndrome 5 phenotype (6.3e-07), strongly suggesting that the variant is benign. To our knowledge, no occurrence of c.7369C>G in individuals affected with Adams-Oliver Syndrome 5 and no experimental evidence demonstrating its impact on protein function have been reported. Five submitters have cited clinical-significance assessments for this variant to ClinVar after 2014. All submitters classified the variant as benign/likely benign. Based on the evidence outlined above, the variant was classified as benign.

Genome-Nilou Lab
Classification: Benign for Adams-Oliver syndrome 5. Last evaluated: 2022-03-15. Review status: criteria provided, single submitter. Criteria: ACMG Guidelines, 2015. Collection method: clinical testing. Allele origin: germline. Affected: no.

Genome-Nilou Lab
Classification: Benign for Aortic valve disease 1. Last evaluated: 2022-03-15. Review status: criteria provided, single submitter. Criteria: ACMG Guidelines, 2015. Collection method: clinical testing. Allele origin: germline. Affected: no.

GeneDx
Classification: Likely benign. Last evaluated: 2019-08-07. Review status: criteria provided, single submitter. Criteria: GeneDx Variant Classification Process June 2021. Collection method: clinical testing. Allele origin: germline. Affected: yes.
Comment: This variant is associated with the following publications: (PMID: 22086416)

Ambry Genetics
Classification: Benign for Familial thoracic aortic aneurysm and aortic dissection. Last evaluated: 2016-11-01. Review status: criteria provided, single submitter. Criteria: Ambry Variant Classification Scheme 2023. Collection method: clinical testing. Allele origin: germline.

Center for Human Genetics, Inc
Classification: Likely benign for Connective tissue disorder. Last evaluated: 2016-11-01. Review status: criteria provided, single submitter. Criteria: ACMG Guidelines, 2015. Collection method: clinical testing. Allele origin: germline. Affected: yes.

Breakthrough Genomics
Classification: Likely benign. Review status: criteria provided, single submitter. Criteria: ACMG Guidelines, 2015. Collection method: not provided. Allele origin: germline. Inheritance: Autosomal dominant inheritance. Affected: yes.

Literature cited by the submitters: PubMed 24943832 (cited by Women's Health and Genetics/Laboratory Corporation of America, LabCorp); PubMed 16614245 (cited by Women's Health and Genetics/Laboratory Corporation of America, LabCorp); PubMed 21670202 (cited by Women's Health and Genetics/Laboratory Corporation of America, LabCorp); PubMed 22210878 (cited by Women's Health and Genetics/Laboratory Corporation of America, LabCorp); PubMed 19635999 (cited by Women's Health and Genetics/Laboratory Corporation of America, LabCorp); PubMed 26837699 (cited by Women's Health and Genetics/Laboratory Corporation of America, LabCorp); PubMed 23086750 (cited by Women's Health and Genetics/Laboratory Corporation of America, LabCorp); PubMed 19245433 (cited by Women's Health and Genetics/Laboratory Corporation of America, LabCorp); PubMed 22077063 (cited by Women's Health and Genetics/Laboratory Corporation of America, LabCorp); PubMed 15472075 (cited by Women's Health and Genetics/Laboratory Corporation of America, LabCorp); PubMed 23734977 (cited by Women's Health and Genetics/Laboratory Corporation of America, LabCorp); PubMed 22858860 (cited by Women's Health and Genetics/Laboratory Corporation of America, LabCorp).